The following is an entry in ClinVar:

NM_002875.5(RAD51):c.204A>C (p.Glu68Asp)

Gene: RAD51 (RAD51 recombinase; plus strand). Cytogenetic location: 15q15.1.
Variant type: single nucleotide variant.
Coding change: c.204A>C on transcript NM_002875.5 (MANE Select); coding-DNA position 204, A replaced by C.
Protein change: p.Glu68Asp; replaces glutamic acid 68 with aspartic acid.
Molecular consequence: missense variant.
Genome position (GRCh38, 1-based): chr15:40,701,180, A>C. VCF-style: chr15-40701180-A-C. GRCh37 (hg19) VCF-style: chr15-40993378-A-C.
Other names: c.204A>C, p.Glu68Asp (NM_001164269.2, NM_001164270.2, NM_133487.4); short protein forms E68D.
Identifiers: ClinVar variation 2450862 (VCV002450862.2), dbSNP rs2504415390, ClinGen allele CA391746538.

ClinVar aggregate classification (germline): Uncertain significance (1 of 4 stars; one submission).

Conditions:
Inborn genetic diseases. Identifiers: MedGen C0950123, MeSH D030342.

Submission:

Ambry Genetics
Classification: Uncertain significance for Inborn genetic diseases. Last evaluated: 2023-02-25. Review status: criteria provided, single submitter. Criteria: Ambry Variant Classification Scheme 2023. Collection method: clinical testing. Allele origin: germline.
Comment: The p.E68D variant (also known as c.204A>C), located in coding exon 2 of the RAD51 gene, results from an A to C substitution at nucleotide position 204. The glutamic acid at codon 68 is replaced by aspartic acid, an amino acid with highly similar properties. This amino acid position is conserved. In addition, the in silico prediction for this alteration is inconclusive. Since supporting evidence is limited at this time, the clinical significance of this alteration remains unclear.